The following is an entry in ClinVar:

ClinVar aggregate classification (germline): Uncertain significance (1 of 4 stars; one submission).

Submission:

Labcorp Genetics (formerly Invitae), Labcorp
Classification: Uncertain significance. Last evaluated: 2022-02-28. Review status: criteria provided, single submitter. Criteria: Invitae Variant Classification Sherloc (09022015). Collection method: clinical testing. Allele origin: germline.
Comment: This sequence change replaces glycine, which is neutral and non-polar, with arginine, which is basic and polar, at codon 753 of the MCPH1 protein (p.Gly753Arg). Information on the frequency of this variant in the gnomAD database is not available, as this variant may be reported differently in the database. This variant has not been reported in the literature in individuals affected with MCPH1-related conditions. Experimental studies and prediction algorithms are not available or were not evaluated, and the functional significance of this variant is currently unknown. In summary, the available evidence is currently insufficient to determine the role of this variant in disease. Therefore, it has been classified as a Variant of Uncertain Significance.

NM_024596.5(MCPH1):c.2256_2257delinsGC (p.Gly753Arg)

Genes: MCPH1 (microcephalin 1; plus strand), MCPH1-AS1 (MCPH1 antisense RNA 1; minus strand). Cytogenetic location: 8p23.1.
Variant type: Indel.
Coding change: c.2256_2257delinsGC on transcript NM_024596.5 (MANE Select); coding-DNA positions 2256 to 2257, CG replaced by GC.
Protein change: p.Gly753Arg; replaces glycine 753 with arginine.
Molecular consequence: missense variant. On other transcripts: non-coding transcript variant (1).
Genome position (GRCh38, 1-based): chr8:6,621,495-6,621,496, CG replaced by GC. VCF-style: chr8-6621495-CG-GC. GRCh37 (hg19) VCF-style: chr8-6479016-CG-GC.
Other names: c.2256_2257delinsGC, p.Gly753Arg (NM_001322042.2, NM_001363979.1); c.1977_1978delinsGC, p.Gly660Arg (NM_001363980.2); short protein forms G753R, G660R.
Identifiers: ClinVar variation 1485262 (VCV001485262.3), dbSNP rs2129580734, ClinGen allele CA2573143092.